The following is an entry in ClinVar:

NM_006231.4(POLE):c.4747A>G (p.Thr1583Ala)

Gene: POLE (DNA polymerase epsilon, catalytic subunit; minus strand). Cytogenetic location: 12q24.33.
Variant type: single nucleotide variant.
Coding change: c.4747A>G on transcript NM_006231.4 (MANE Select); coding-DNA position 4747, A replaced by G.
Protein change: p.Thr1583Ala; replaces threonine 1583 with alanine.
Molecular consequence: missense variant.
Genome position (GRCh38, 1-based): chr12:132,642,711, T>C on the plus strand (A>G on the coding strand, the complement: POLE is on the minus strand). VCF-style: chr12-132642711-T-C. GRCh37 (hg19) VCF-style: chr12-133219297-T-C.
Other names: short protein forms T1583A.
Identifiers: ClinVar variation 952646 (VCV000952646.9), dbSNP rs2042176956, ClinGen allele CA387378525.

ClinVar aggregate classification (germline): Uncertain significance (1 of 4 stars; one submission).

Submission:

Labcorp Genetics (formerly Invitae), Labcorp
Classification: Uncertain significance. Last evaluated: 2019-05-14. Review status: criteria provided, single submitter. Criteria: Invitae Variant Classification Sherloc (09022015). Collection method: clinical testing. Allele origin: germline.
Comment: This sequence change replaces threonine with alanine at codon 1583 of the POLE protein (p.Thr1583Ala). The threonine residue is highly conserved and there is a small physicochemical difference between threonine and alanine. This variant is not present in population databases (ExAC no frequency). This variant has not been reported in the literature in individuals with POLE-related conditions. Algorithms developed to predict the effect of missense changes on protein structure and function are either unavailable or do not agree on the potential impact of this missense change (SIFT: "Tolerated"; PolyPhen-2: "Possibly Damaging"; Align-GVGD: "Class C0"). In summary, the available evidence is currently insufficient to determine the role of this variant in disease. Therefore, it has been classified as a Variant of Uncertain Significance.